The following is an entry in ClinVar:

NM_031407.7(HUWE1):c.5389G>A (p.Glu1797Lys)

Gene: HUWE1 (HECT, UBA and WWE domain containing E3 ubiquitin protein ligase 1; minus strand). Cytogenetic location: Xp11.22.
Variant type: single nucleotide variant.
Coding change: c.5389G>A on transcript NM_031407.7 (MANE Select); coding-DNA position 5389, G replaced by A.
Protein change: p.Glu1797Lys; replaces glutamic acid 1797 with lysine.
Molecular consequence: missense variant.
Genome position (GRCh38, 1-based): chrX:53,583,689, C>T on the plus strand (G>A on the coding strand, the complement: HUWE1 is on the minus strand). VCF-style: chrX-53583689-C-T. GRCh37 (hg19) VCF-style: chrX-53610649-C-T.
Other names: c.5389G>A, p.Glu1797Lys (NM_001441048.1, NM_001441049.1, NM_001441051.1 and 6 more transcripts); c.5410G>A, p.Glu1804Lys (NM_001441050.1, NM_001441055.1); short protein forms E1797K, E1804K.
Identifiers: ClinVar variation 4292859 (VCV004292859.1).

ClinVar aggregate classification (germline): Uncertain significance (1 of 4 stars; one submission).

Conditions:
Intellectual developmental disorder, X-linked, syndromic, Turner type. Also called: Intellectual disability, X-linked syndromic, Turner type; X-linked intellectual disability, Turner type. Identifiers: Orphanet 3056, Orphanet 85328, MedGen C2678046, MONDO:0010407, OMIM 309590.

gnomAD v4.1: 2 of 1,210,990 alleles (0.00017%); highest among the groups gnomAD compares: East Asian, 0.003%; no homozygotes.

Submission:

3billion
Classification: Uncertain significance for Intellectual developmental disorder, X-linked, syndromic, Turner type. Last evaluated: 2025-01-09. Review status: criteria provided, single submitter. Criteria: ACMG Guidelines, 2015. Collection method: clinical testing. Allele origin: germline. Affected: yes.
Comment: The variant is observed at an extremely low frequency in the gnomAD v4.1.0 dataset (total allele frequency: <0.001%). Predicted Consequence/Location: Missense variant In silico tool predictions suggest damaging effect of the variant on gene or gene product [3Cnet: 0.96 (>=0.6, sensitivity 0.72 and precision 0.9)]. Therefore, this variant is classified as VUS according to the recommendation of ACMG/AMP guideline.